The following is an entry in ClinVar:

ClinVar aggregate classification (germline): Uncertain significance (1 of 4 stars; one submission).

Conditions:
Nemaline myopathy 2 (NEM2). Also called: Nemaline myopathy 2, autosomal recessive. Identifiers: MedGen C1850569, MONDO:0009725, OMIM 256030.

Submission:

Labcorp Genetics (formerly Invitae), Labcorp
Classification: Uncertain significance for Nemaline myopathy 2. Last evaluated: 2022-11-15. Review status: criteria provided, single submitter. Criteria: Invitae Variant Classification Sherloc (09022015). Collection method: clinical testing. Allele origin: germline.
Comment: In summary, the available evidence is currently insufficient to determine the role of this variant in disease. Therefore, it has been classified as a Variant of Uncertain Significance. Algorithms developed to predict the effect of missense changes on protein structure and function are either unavailable or do not agree on the potential impact of this missense change (SIFT: "Deleterious"; PolyPhen-2: "Not Available"; Align-GVGD: "Class C0"). ClinVar contains an entry for this variant (Variation ID: 465494). This variant has not been reported in the literature in individuals affected with NEB-related conditions. This variant is not present in population databases (gnomAD no frequency). This sequence change replaces proline, which is neutral and non-polar, with alanine, which is neutral and non-polar, at codon 540 of the NEB protein (p.Pro540Ala).

NM_001164508.2(NEB):c.1618C>G (p.Pro540Ala)

Gene: NEB (nebulin; minus strand). Cytogenetic location: 2q23.3.
Variant type: single nucleotide variant.
Coding change: c.1618C>G on transcript NM_001164508.2 (MANE Select); coding-DNA position 1618, C replaced by G.
Protein change: p.Pro540Ala; replaces proline 540 with alanine.
Molecular consequence: missense variant.
Genome position (GRCh38, 1-based): chr2:151,695,634, G>C on the plus strand (C>G on the coding strand, the complement: NEB is on the minus strand). VCF-style: chr2-151695634-G-C. GRCh37 (hg19) VCF-style: chr2-152552148-G-C.
Other names: c.1618C>G, p.Pro540Ala (NM_001164507.2, NM_001271208.2, NM_004543.5); short protein forms P540A.
Identifiers: ClinVar variation 465494 (VCV000465494.8), dbSNP rs1271816542, ClinGen allele CA348824930.
Genomic context (GRCh38, chr2:151,695,634, plus strand): 5'-TTACATCACTCAAGTTATAGGCATTGACTTTGTGCTGGATAAAAGCAGGAGTATCAGGGG[G>C]GATATGGCACTTGAACTTTTCACTTTCATGTTTTGCTTTGTAATTTAACTATGACAGAGA-3'
Protein context (NP_001157980.2, residues 530-550): HESEKFKCHI[Pro540Ala]PDTPAFIQHK